The following is an entry in ClinVar:

ClinVar aggregate classification (germline): Uncertain significance. Review status: criteria provided, multiple submitters, no conflicts (2 of 4 stars). 2 submissions from 2 submitters: Uncertain significance (2). Last evaluated 2025-09-07.

Conditions:
Neurofibromatosis, type 1 (NF1). Also called: Neurofibromatosis, type I; NEUROFIBROMATOSIS, TYPE I, SOMATIC; VON RECKLINGHAUSEN DISEASE; Peripheral type neurofibromatosis. Identifiers: Orphanet 636, MedGen C0027831, MONDO:0018975, OMIM 162200. Disease mechanism: loss of function.
Cardiovascular phenotype. Identifiers: MedGen CN230736.
Hereditary cancer-predisposing syndrome. Also called: Hereditary Cancer Syndrome; Tumor predisposition; Hereditary neoplastic syndrome; Neoplastic Syndromes, Hereditary. Identifiers: Orphanet 140162, MedGen C0027672, MeSH D009386, MONDO:0015356.

Submissions (2):

Labcorp Genetics (formerly Invitae), Labcorp
Classification: Uncertain significance for Neurofibromatosis, type 1. Last evaluated: 2025-09-07. Review status: criteria provided, single submitter. Criteria: Invitae Variant Classification Sherloc (09022015). Collection method: clinical testing. Allele origin: germline.
Comment: This sequence change falls in intron 49 of the NF1 gene. It does not directly change the encoded amino acid sequence of the NF1 protein. It affects a nucleotide within the consensus splice site. This variant is not present in population databases (gnomAD no frequency). This variant has not been reported in the literature in individuals affected with NF1-related conditions. ClinVar contains an entry for this variant (Variation ID: 3022769). Variants that disrupt the consensus splice site are a relatively common cause of aberrant splicing (PMID: 17576681, 9536098). Algorithms developed to predict the effect of sequence changes on RNA splicing suggest that this variant is not likely to affect RNA splicing. In summary, the available evidence is currently insufficient to determine the role of this variant in disease. Therefore, it has been classified as a Variant of Uncertain Significance.

Ambry Genetics
Classification: Uncertain significance for Cardiovascular phenotype; Hereditary cancer-predisposing syndrome. Last evaluated: 2025-07-10. Review status: criteria provided, single submitter. Criteria: Ambry Variant Classification Scheme 2023. Collection method: clinical testing. Allele origin: germline.
Comment: The c.7394+5G>C intronic variant results from a G to C substitution 5 nucleotides after coding exon 49 in the NF1 gene. This nucleotide position is not well conserved in available vertebrate species. In silico splice site analysis predicts that this alteration will not have any significant effect on splicing. Based on the available evidence, the clinical significance of this variant remains unclear.

Literature cited by the submitters: PubMed 17576681 (cited by Labcorp Genetics (formerly Invitae), Labcorp); PubMed 9536098 (cited by Labcorp Genetics (formerly Invitae), Labcorp).

NM_001042492.3(NF1):c.7457+5G>C

Gene: NF1 (neurofibromin 1; plus strand). Cytogenetic location: 17q11.2.
Variant type: single nucleotide variant.
Coding change: c.7457+5G>C on transcript NM_001042492.3 (MANE Select); 5 bases into the intron after coding-DNA position 7457, G replaced by C.
Molecular consequence: intron variant.
Genome position (GRCh38, 1-based): chr17:31,350,323, G>C. VCF-style: chr17-31350323-G-C. GRCh37 (hg19) VCF-style: chr17-29677341-G-C.
Other names: c.7394+5G>C (NM_000267.4, NM_000267.3).
Identifiers: ClinVar variation 3022769 (VCV003022769.4), dbSNP rs1555536171, ClinGen allele CA2733261538.